The following is an entry in ClinVar:

ClinVar aggregate classification (germline): Benign. Review status: criteria provided, single submitter (1 of 4 stars). 2 submissions from 2 submitters: Benign (1). 1 of the submissions does not count toward it. Last evaluated 2023-11-28.

Conditions:
CTU2-related disorder. Also called: CTU2-related condition.

Allele frequency attached by ClinVar (database versions not stated): TOPMed 0.00023; 1000 Genomes Project 30x 0.00187; gnomAD 0.00029; 1000 Genomes Project 0.00180.
gnomAD v4.1: 416 of 1,612,524 alleles (0.026%); highest among the groups gnomAD compares: East Asian, 0.32%; 3 homozygotes.

Submissions (2):

Labcorp Genetics (formerly Invitae), Labcorp
Classification: Benign. Last evaluated: 2023-11-28. Review status: criteria provided, single submitter. Criteria: Invitae Variant Classification Sherloc (09022015). Collection method: clinical testing. Allele origin: germline.

PreventionGenetics, part of Exact Sciences
Classification: Likely benign for CTU2-related condition. Last evaluated: 2022-03-16. Review status: no assertion criteria provided. Collection method: clinical testing. Allele origin: germline. Not counted in ClinVar's aggregate classification.
Comment: This variant is classified as likely benign based on ACMG/AMP sequence variant interpretation guidelines (Richards et al. 2015 PMID: 25741868, with internal and published modifications).

NM_001012759.3(CTU2):c.1153G>A (p.Gly385Ser)

Gene: CTU2 (cytosolic thiouridylase subunit 2; plus strand). Cytogenetic location: 16q24.3.
Variant type: single nucleotide variant.
Coding change: c.1153G>A on transcript NM_001012759.3 (MANE Select); coding-DNA position 1153, G replaced by A.
Protein change: p.Gly385Ser; replaces glycine 385 with serine.
Molecular consequence: missense variant.
Genome position (GRCh38, 1-based): chr16:88,714,438, G>A. VCF-style: chr16-88714438-G-A. GRCh37 (hg19) VCF-style: chr16-88780846-G-A.
Other names: c.1153G>A, p.Gly385Ser (NM_001012762.3); c.1366G>A, p.Gly456Ser (NM_001318507.2); c.892G>A, p.Gly298Ser (NM_001318513.2); c.1153G>A (NM_001012759.2); short protein forms G385S, G456S, G298S.
Identifiers: ClinVar variation 2044178 (VCV002044178.6), dbSNP rs200076111, ClinGen allele CA8230872.